The following is an entry in ClinVar:

NM_000312.4(PROC):c.1000G>A (p.Gly334Ser)

Gene: PROC (protein C, inactivator of coagulation factors Va and VIIIa; plus strand). Cytogenetic location: 2q14.3.
Variant type: single nucleotide variant.
Coding change: c.1000G>A on transcript NM_000312.4 (MANE Select); coding-DNA position 1000, G replaced by A.
Protein change: p.Gly334Ser; replaces glycine 334 with serine.
Molecular consequence: missense variant.
Genome position (GRCh38, 1-based): chr2:127,428,560, G>A. VCF-style: chr2-127428560-G-A. GRCh37 (hg19) VCF-style: chr2-128186136-G-A.
Other names: G292S; c.1183G>A, p.Gly395Ser (NM_001375602.1); c.1165G>A, p.Gly389Ser (NM_001375603.1); c.1063G>A, p.Gly355Ser (NM_001375604.1); c.1102G>A, p.Gly368Ser (NM_001375605.1); c.1168G>A, p.Gly390Ser (NM_001375606.1); c.1186G>A, p.Gly396Ser (NM_001375607.1); c.943G>A, p.Gly315Ser (NM_001375608.1); and 3 more; short protein forms G334S, G315S, G326S, G332S, G355S, G368S, G389S, G390S.
Identifiers: ClinVar variation 666 (VCV000000666.15), dbSNP rs121918150, ClinGen allele CA114406.
Genomic context (GRCh38, chr2:127,428,560, plus strand): 5'-ACCATAGTGCCCATCTGCCTCCCGGACAGCGGCCTTGCAGAGCGCGAGCTCAATCAGGCC[G>A]GCCAGGAGACCCTCGTGACGGGCTGGGGCTACCACAGCAGCCGAGAGAAGGAGGCCAAGA-3'
Protein context (NP_000303.1, residues 324-344): GLAERELNQA[Gly334Ser]QETLVTGWGY

ClinVar aggregate classification (germline): Conflicting classifications of pathogenicity. Review status: criteria provided, conflicting classifications (1 of 4 stars). 6 submissions from 6 submitters: Pathogenic (2); Likely pathogenic (1); Uncertain significance (1). 2 of the submissions do not count toward it. Last evaluated 2026-06-12.

Conditions:
PROC-related disorder. Also called: PROC-related condition.
Thrombophilia due to protein C deficiency, autosomal dominant. Also called: PROC DEFICIENCY, AUTOSOMAL DOMINANT; PROTEIN C DEFICIENCY, AUTOSOMAL DOMINANT. Identifiers: Orphanet 745, MedGen C2674321, MONDO:0008316, OMIM 176860. Disease mechanism: loss of function.
Thrombophilia due to protein C deficiency, autosomal recessive. Also called: PROC DEFICIENCY, AUTOSOMAL RECESSIVE; PROTEIN C DEFICIENCY, AUTOSOMAL RECESSIVE. Identifiers: Orphanet 745, MedGen C2676759, MONDO:0012860, OMIM 612304.

Allele frequency attached by ClinVar (database versions not stated): gnomAD 0.00001; TOPMed 0.00001; gnomAD exomes 0.00001.
gnomAD v4.1: 12 of 1,613,770 alleles (0.00074%); highest among the groups gnomAD compares: African/African-American, 0.004%; no homozygotes.

Submissions (6):

Women's Health and Genetics/Laboratory Corporation of America, LabCorp
Classification: Pathogenic for Thrombophilia due to protein C deficiency, autosomal dominant. Last evaluated: 2026-06-12. Review status: criteria provided, single submitter. Criteria: LabCorp Variant Classification Summary - May 2015. Collection method: clinical testing. Allele origin: germline.
Comment: Variant summary: PROC c.1000G>A (p.Gly334Ser) results in a non-conservative amino acid change in the encoded protein sequence. Algorithms developed to predict the effect of missense changes on protein structure and function all suggest that this variant is likely to be disruptive. The variant allele was found at a frequency of 8e-06 in 251154 control chromosomes. c.1000G>A has been observed in multiple heterozygous and homozygous individual(s) affected with Thrombophilia Due To Protein C Deficiency (e.g. Reitsma_1991, Yamamoto_1992, Winther_2020). These data indicate that the variant is likely to be associated with disease. At least one publication reports experimental evidence showing markedly reduced secretion of the p.Gly334Ser protein C variant, with retained intracellular protein, supporting a secretion defect (e.g. Yamamoto_1992). The following publications have been ascertained in the context of this evaluation (PMID: 31352677, 1868249, 40008275, 37647632, 31821907, 1593215). ClinVar contains an entry for this variant (Variation ID: 666). Based on the evidence outlined above, the variant was classified as pathogenic for autosomal dominant and autosomal recessive Thrombophilia Due To Protein C Deficiency.

Labcorp Genetics (formerly Invitae), Labcorp
Classification: Pathogenic for Thrombophilia due to protein C deficiency, autosomal dominant. Last evaluated: 2025-08-06. Review status: criteria provided, single submitter. Criteria: Invitae Variant Classification Sherloc (09022015). Collection method: clinical testing. Allele origin: germline.
Comment: This sequence change replaces glycine, which is neutral and non-polar, with serine, which is neutral and polar, at codon 334 of the PROC protein (p.Gly334Ser). This variant is present in population databases (rs121918150, gnomAD 0.007%). This missense change has been observed in individuals with protein C deficiency (PMID: 1593215, 1868249). It has also been observed to segregate with disease in related individuals. This variant is also known as Gly292Ser. ClinVar contains an entry for this variant (Variation ID: 666). Invitae Evidence Modeling of protein sequence and biophysical properties (such as structural, functional, and spatial information, amino acid conservation, physicochemical variation, residue mobility, and thermodynamic stability) has been performed for this missense variant. However, the output from this modeling did not meet the statistical confidence thresholds required to predict the impact of this variant on PROC protein function. Experimental studies have shown that this missense change affects PROC function (PMID: 1593215). For these reasons, this variant has been classified as Pathogenic.

Revvity Omics, Revvity
Classification: Uncertain significance. Last evaluated: 2022-04-28. Review status: criteria provided, single submitter. Criteria: ACMG Guidelines, 2015. Collection method: clinical testing. Allele origin: germline.

Juno Genomics, Hangzhou Juno Genomics, Inc
Classification: Likely pathogenic for Thrombophilia due to protein C deficiency, autosomal dominant; Thrombophilia due to protein C deficiency, autosomal recessive. Review status: criteria provided, single submitter. Criteria: ACMG Guidelines, 2015. Collection method: clinical testing. Allele origin: germline.
Comment: Absent from controls (or at extremely low frequency if recessive) in Genome Aggregation Database.;Multiple lines of computational evidence support a deleterious effect on the gene or gene product.;The prevalence of the variant in affected individuals is significantly increased compared to the prevalence in controls.;For recessive disorders, detected in trans with a pathogenic variant.;Patient's phenotype or family history is highly specific for a disease with a single genetic etiology.

PreventionGenetics, part of Exact Sciences
Classification: Likely pathogenic for PROC-related condition. Last evaluated: 2024-09-26. Review status: no assertion criteria provided. Collection method: clinical testing. Allele origin: germline. Not counted in ClinVar's aggregate classification.
Comment: The PROC c.1000G>A variant is predicted to result in the amino acid substitution p.Gly334Ser. This variant was reported in individuals with Protein C deficiency (Reitsma et al. 1991. PubMed ID: 1868249; Capalbo et al. 2019. PubMed ID: 31589614; Yamamoto et al. 1992. PubMed ID: 1593215). Functional characterization indicates that this variant is deleterious (Yamamoto et al. 1992. PubMed ID: 1593215). This variant is reported in 0.012% of alleles in individuals of African descent in gnomAD. This variant is interpreted as likely pathogenic.

OMIM
Classification: Pathogenic for THROMBOPHILIA DUE TO PROTEIN C DEFICIENCY, AUTOSOMAL RECESSIVE. Last evaluated: 1992-06-01. Review status: no assertion criteria provided. Collection method: literature only. Allele origin: germline. Not counted in ClinVar's aggregate classification.

Literature cited by the submitters: PubMed 31352677 (cited by Women's Health and Genetics/Laboratory Corporation of America, LabCorp); PubMed 37647632 (cited by Women's Health and Genetics/Laboratory Corporation of America, LabCorp); PubMed 1868249 (cited by Women's Health and Genetics/Laboratory Corporation of America, LabCorp and Labcorp Genetics (formerly Invitae), Labcorp); PubMed 40008275 (cited by Women's Health and Genetics/Laboratory Corporation of America, LabCorp); PubMed 31821907 (cited by Women's Health and Genetics/Laboratory Corporation of America, LabCorp); PubMed 1593215 (cited by 3 submitters).